The following is an entry in ClinVar:

ClinVar aggregate classification (germline): Uncertain significance (1 of 4 stars; one submission).

Allele frequency attached by ClinVar (database versions not stated): gnomAD exomes 0.00002; gnomAD 0.00006; TOPMed 0.00007.
gnomAD v4.1: 98 of 1,551,496 alleles (0.0063%); highest among the groups gnomAD compares: African/African-American, 0.0082%; 1 homozygote.

Submission:

Labcorp Genetics (formerly Invitae), Labcorp
Classification: Uncertain significance. Last evaluated: 2022-08-09. Review status: criteria provided, single submitter. Criteria: Invitae Variant Classification Sherloc (09022015). Collection method: clinical testing. Allele origin: germline.
Comment: This sequence change replaces isoleucine, which is neutral and non-polar, with threonine, which is neutral and polar, at codon 162 of the KPNA7 protein (p.Ile162Thr). This variant is present in population databases (no rsID available, gnomAD 0.01%). This variant has not been reported in the literature in individuals affected with KPNA7-related conditions. ClinVar contains an entry for this variant (Variation ID: 1018150). Algorithms developed to predict the effect of missense changes on protein structure and function (SIFT, PolyPhen-2, Align-GVGD) all suggest that this variant is likely to be disruptive. In summary, the available evidence is currently insufficient to determine the role of this variant in disease. Therefore, it has been classified as a Variant of Uncertain Significance.

NM_001145715.3(KPNA7):c.485T>C (p.Ile162Thr)

Gene: KPNA7 (karyopherin subunit alpha 7; minus strand). Cytogenetic location: 7q22.1.
Variant type: single nucleotide variant.
Coding change: c.485T>C on transcript NM_001145715.3 (MANE Select); coding-DNA position 485, T replaced by C.
Protein change: p.Ile162Thr; replaces isoleucine 162 with threonine.
Molecular consequence: missense variant.
Genome position (GRCh38, 1-based): chr7:99,195,138, A>G on the plus strand (T>C on the coding strand, the complement: KPNA7 is on the minus strand). VCF-style: chr7-99195138-A-G. GRCh37 (hg19) VCF-style: chr7-98792761-A-G.
Other names: short protein forms I162T.
Identifiers: ClinVar variation 1018150 (VCV001018150.4), dbSNP rs1228191878, ClinGen allele CA368420459.